The following is an entry in ClinVar:

NM_000112.4(SLC26A2):c.1549G>C (p.Val517Leu)

Gene: SLC26A2 (solute carrier family 26 member 2; plus strand). Cytogenetic location: 5q32.
Variant type: single nucleotide variant.
Coding change: c.1549G>C on transcript NM_000112.4 (MANE Select); coding-DNA position 1549, G replaced by C.
Protein change: p.Val517Leu; replaces valine 517 with leucine.
Molecular consequence: missense variant.
Genome position (GRCh38, 1-based): chr5:149,981,142, G>C. VCF-style: chr5-149981142-G-C. GRCh37 (hg19) VCF-style: chr5-149360705-G-C.
Other names: short protein forms V517L.
Identifiers: ClinVar variation 2120572 (VCV002120572.4), dbSNP rs2480776291, ClinGen allele CA361708107.

ClinVar aggregate classification (germline): Uncertain significance (1 of 4 stars; one submission).

Conditions:
Achondrogenesis, type IB (ACG1B). Also called: Achondrogenesis Type 1B. Identifiers: Orphanet 932, Orphanet 93298, MedGen C0265274, MONDO:0010966, OMIM 600972.
Diastrophic dysplasia (DTD). Also called: Diastrophic dwarfism. Identifiers: Orphanet 628, MedGen C0220726, MONDO:0009107, OMIM 222600.
Multiple epiphyseal dysplasia type 4 (EDM4). Also called: Multiple Epiphyseal Dysplasia, Recessive; MULTIPLE EPIPHYSEAL DYSPLASIA WITH BILAYERED PATELLAE; MULTIPLE EPIPHYSEAL DYSPLASIA WITH CLUBFOOT; MULTIPLE EPIPHYSEAL DYSPLASIA, AUTOSOMAL RECESSIVE; SLC26A2-Related Multiple Epiphyseal Dysplasia. Identifiers: Orphanet 93307, MedGen C1847593, MONDO:0009189, OMIM 226900.
Atelosteogenesis type II (AO2). Also called: NEONATAL OSSEOUS DYSPLASIA I; SLC26A2-Related Atelosteogenesis; Neonatal osseous dysplasia 1. Identifiers: Orphanet 56304, MedGen C1850554, MONDO:0009727, OMIM 256050.

Submission:

Labcorp Genetics (formerly Invitae), Labcorp
Classification: Uncertain significance for Atelosteogenesis type II; Multiple epiphyseal dysplasia type 4; Achondrogenesis, type IB; Diastrophic dysplasia. Last evaluated: 2022-04-01. Review status: criteria provided, single submitter. Criteria: Invitae Variant Classification Sherloc (09022015). Collection method: clinical testing. Allele origin: germline.
Comment: In summary, the available evidence is currently insufficient to determine the role of this variant in disease. Therefore, it has been classified as a Variant of Uncertain Significance. Advanced modeling of protein sequence and biophysical properties (such as structural, functional, and spatial information, amino acid conservation, physicochemical variation, residue mobility, and thermodynamic stability) performed at Invitae indicates that this missense variant is not expected to disrupt SLC26A2 protein function. This variant has not been reported in the literature in individuals affected with SLC26A2-related conditions. This variant is not present in population databases (gnomAD no frequency). This sequence change replaces valine, which is neutral and non-polar, with leucine, which is neutral and non-polar, at codon 517 of the SLC26A2 protein (p.Val517Leu).